The following is an entry in ClinVar:

NM_130811.4(SNAP25):c.377A>G (p.Gln126Arg)

Gene: SNAP25 (synaptosome associated protein 25; plus strand). Cytogenetic location: 20p12.2.
Variant type: single nucleotide variant.
Coding change: c.377A>G on transcript NM_130811.4 (MANE Select); coding-DNA position 377, A replaced by G.
Protein change: p.Gln126Arg; replaces glutamine 126 with arginine.
Molecular consequence: missense variant.
Genome position (GRCh38, 1-based): chr20:10,297,020, A>G. VCF-style: chr20-10297020-A-G. GRCh37 (hg19) VCF-style: chr20-10277668-A-G.
Other names: c.377A>G, p.Gln126Arg (NM_001322902.2, NM_001322903.2, NM_001322904.2 and 7 more transcripts); short protein forms Q126R.
Identifiers: ClinVar variation 940496 (VCV000940496.9), dbSNP rs2064127610, ClinGen allele CA408266360.

ClinVar aggregate classification (germline): Uncertain significance (1 of 4 stars; one submission).

Conditions:
Congenital myasthenic syndrome 18. Also called: MYASTHENIC SYNDROME, CONGENITAL, 18, WITH INTELLECTUAL DISABILITY AND ATAXIA. Identifiers: Orphanet 590, MedGen C4225364, MONDO:0014590, OMIM 616330.

Submission:

Labcorp Genetics (formerly Invitae), Labcorp
Classification: Uncertain significance for Congenital myasthenic syndrome 18. Last evaluated: 2025-09-02. Review status: criteria provided, single submitter. Criteria: Invitae Variant Classification Sherloc (09022015). Collection method: clinical testing. Allele origin: germline.
Comment: This sequence change replaces glutamine, which is neutral and polar, with arginine, which is basic and polar, at codon 126 of the SNAP25 protein (p.Gln126Arg). This variant is not present in population databases (gnomAD no frequency). This variant has not been reported in the literature in individuals affected with SNAP25-related conditions. ClinVar contains an entry for this variant (Variation ID: 940496). An algorithm developed to predict the effect of missense changes on protein structure and function (PolyPhen-2) suggests that this variant is likely to be disruptive. In summary, the available evidence is currently insufficient to determine the role of this variant in disease. Therefore, it has been classified as a Variant of Uncertain Significance.